The following is an entry in ClinVar:

ClinVar aggregate classification (germline): Conflicting classifications of pathogenicity. Review status: criteria provided, conflicting classifications (1 of 4 stars). 4 submissions from 4 submitters: Uncertain significance (3); Likely benign (1). Last evaluated 2025-10-01.

Conditions:
Neurofibromatosis, type 1 (NF1). Also called: VON RECKLINGHAUSEN DISEASE; NEUROFIBROMATOSIS, TYPE I, SOMATIC; Peripheral type neurofibromatosis; Neurofibromatosis, type I. Identifiers: Orphanet 636, MedGen C0027831, MONDO:0018975, OMIM 162200. Disease mechanism: loss of function.
Cardiovascular phenotype. Identifiers: MedGen CN230736.
Hereditary cancer-predisposing syndrome. Also called: Hereditary Cancer Syndrome; Hereditary neoplastic syndrome; Tumor predisposition; Neoplastic Syndromes, Hereditary. Identifiers: Orphanet 140162, MedGen C0027672, MeSH D009386, MONDO:0015356.
Café-au-lait macules with pulmonary stenosis (WTSN). Also called: PULMONIC STENOSIS WITH CAFE-AU-LAIT SPOTS. Identifiers: MedGen C0553586, MONDO:0008672, OMIM 193520.
Neurofibromatosis-Noonan syndrome (NFNS). Also called: NEUROFIBROMATOSIS WITH NOONAN PHENOTYPE. Identifiers: Orphanet 638, MedGen C2931482, MONDO:0011035, OMIM 601321. Disease mechanism: loss of function.

Allele frequency attached by ClinVar (database versions not stated): gnomAD exomes below 0.00001; TOPMed 0.00001.
gnomAD v4.1: 2 of 1,613,836 alleles (0.00012%); highest among the groups gnomAD compares: Non-Finnish European, 0.00017%; no homozygotes.

Submissions (4):

Labcorp Genetics (formerly Invitae), Labcorp
Classification: Likely benign for Neurofibromatosis, type 1. Last evaluated: 2025-10-01. Review status: criteria provided, single submitter. Criteria: Invitae Variant Classification Sherloc (09022015). Collection method: clinical testing. Allele origin: germline.

Genome-Nilou Lab
Classification: Uncertain significance for Neurofibromatosis, type 1. Last evaluated: 2022-03-15. Review status: criteria provided, single submitter. Criteria: ACMG Guidelines, 2015. Collection method: clinical testing. Allele origin: germline. Affected: no.

Ambry Genetics
Classification: Uncertain significance for Cardiovascular phenotype; Hereditary cancer-predisposing syndrome. Last evaluated: 2019-01-03. Review status: criteria provided, single submitter. Criteria: Ambry Variant Classification Scheme 2023. Collection method: clinical testing. Allele origin: germline.

GeneDx
Classification: Uncertain significance. Last evaluated: 2018-02-14. Review status: criteria provided, single submitter. Criteria: GeneDx Variant Classification (06012015). Collection method: clinical testing. Allele origin: germline. Affected: yes.
Comment: This variant is denoted NF1 c.2131C>T at the cDNA level, p.Arg711Cys (R711C) at the protein level, and results in the change of an Arginine to a Cysteine (CGC>TGC). This variant has not, to our knowledge, been published in the literature as a germline variant; however, it has been reported as a somatic variant in melanoma and prostate tumors (Hovelson 2015, de Unamuno Bustos 2017). NF1 Arg711Cys was not observed at a significant allele frequency in large population cohorts (Lek 2016). This variant is located within the GTPase activating protein domain (Luo 2014). In silico analysis, which includes protein predictors and evolutionary conservation, supports a deleterious effect. Based on currently available evidence, it is unclear whether NF1 Arg711Cys is a pathogenic or benign variant. We consider it to be a variant of uncertain significance.

NM_001042492.3(NF1):c.2131C>T (p.Arg711Cys)

Gene: NF1 (neurofibromin 1; plus strand). Cytogenetic location: 17q11.2.
Variant type: single nucleotide variant.
Coding change: c.2131C>T on transcript NM_001042492.3 (MANE Select); coding-DNA position 2131, C replaced by T.
Protein change: p.Arg711Cys; replaces arginine 711 with cysteine.
Molecular consequence: missense variant.
Genome position (GRCh38, 1-based): chr17:31,226,564, C>T. VCF-style: chr17-31226564-C-T. GRCh37 (hg19) VCF-style: chr17-29553582-C-T.
Other names: c.2131C>T, p.Arg711Cys (NM_000267.4); short protein forms R711C.
Identifiers: ClinVar variation 457565 (VCV000457565.15), dbSNP rs1400902839, ClinGen allele CA398982325.
Genomic context (GRCh38, chr17:31,226,564, plus strand): 5'-CTGTACATGTTTCTGTGGAACCCTGACACTGAAGCTGTTCTGGTTGCCATGTCCTGTTTC[C>T]GCCACCTCTGTGAGGAAGCAGATATCCGGTGTGGGGTGGATGAAGTGTCAGTGCATAACC-3'
Protein context (NP_001035957.1, residues 701-721): EAVLVAMSCF[Arg711Cys]HLCEEADIRC